The following is an entry in ClinVar:

ClinVar aggregate classification (germline): Benign (1 of 4 stars; one submission).

Allele frequency attached by ClinVar (database versions not stated): ESP Exome Variant Server 0.86814; gnomAD 0.87268; TOPMed 0.87618; 1000 Genomes Project 30x 0.88538; 1000 Genomes Project 0.88918; gnomAD exomes 0.89124; ExAC 0.89286.
gnomAD v4.1: 1,421,079 of 1,597,590 alleles (89%); highest among the groups gnomAD compares: East Asian, 97%; 632,934 homozygotes.

Submission:

Unidad de Genómica Garrahan, Hospital de Pediatría Garrahan
Classification: Benign. Last evaluated: 2024-01-24. Review status: criteria provided, single submitter. Criteria: ACMG Guidelines, 2015. Collection method: clinical testing. Allele origin: germline. Affected: no. Observed: 95 variant alleles.
Comment: This variant is classified as Benign based on local population frequency. This variant was detected in 100% of patients studied by a panel of primary immunodeficiencies. Number of patients: 95. Only high quality variants are reported.

NM_005337.5(NCKAP1L):c.3273+31T>C

Gene: NCKAP1L (NCK associated protein 1 like; plus strand). Cytogenetic location: 12q13.2.
Variant type: single nucleotide variant.
Coding change: c.3273+31T>C on transcript NM_005337.5 (MANE Select); 31 bases into the intron after coding-DNA position 3273, T replaced by C.
Molecular consequence: intron variant.
Genome position (GRCh38, 1-based): chr12:54,539,004, T>C. VCF-style: chr12-54539004-T-C. GRCh37 (hg19) VCF-style: chr12-54932788-T-C.
Other names: c.3123+31T>C (NM_001184976.2).
Identifiers: ClinVar variation 2688203 (VCV002688203.2), dbSNP rs4758966, ClinGen allele CA6609685.